The following is an entry in ClinVar:

ClinVar aggregate classification (germline): Conflicting classifications of pathogenicity. Review status: criteria provided, conflicting classifications (1 of 4 stars). 8 submissions from 8 submitters: Uncertain significance (1); Likely benign (5). 2 of the submissions do not count toward it. Last evaluated 2026-02-01.

Conditions:
ADGRV1-related disorder. Also called: ADGRV1-related condition; ADGRV1-related disorders.

Allele frequency attached by ClinVar (database versions not stated): gnomAD 0.00015 and 0.00016; 1000 Genomes Project 30x 0.00016; 1000 Genomes Project 0.00020; TOPMed 0.00020; ExAC 0.00021; gnomAD exomes 0.00025; ESP Exome Variant Server 0.00033.
gnomAD v4.1: 347 of 1,613,770 alleles (0.022%); highest among the groups gnomAD compares: Middle Eastern, 0.17%; 1 homozygote.

Submissions (8):

Labcorp Genetics (formerly Invitae), Labcorp
Classification: Likely benign. Last evaluated: 2026-02-01. Review status: criteria provided, single submitter. Criteria: Invitae Variant Classification Sherloc (09022015). Collection method: clinical testing. Allele origin: germline.

PreventionGenetics, part of Exact Sciences
Classification: Likely benign for ADGRV1-related condition. Last evaluated: 2025-08-26. Review status: criteria provided, single submitter. Criteria: ACMG Guidelines, 2015. Collection method: clinical testing. Allele origin: germline.
Comment: This variant is classified as likely benign based on ACMG/AMP sequence variant interpretation guidelines (Richards et al. 2015 PMID: 25741868, with internal and published modifications).

Blueprint Genetics
Classification: Likely benign. Last evaluated: 2024-11-08. Review status: criteria provided, single submitter. Criteria: ACMG Guidelines, 2015. Collection method: clinical testing. Allele origin: germline.

GeneDx
Classification: Likely benign. Last evaluated: 2020-11-24. Review status: criteria provided, single submitter. Criteria: GeneDx Variant Classification Process June 2021. Collection method: clinical testing. Allele origin: germline. Affected: yes.

Eurofins Ntd Llc (ga)
Classification: Uncertain significance. Last evaluated: 2015-12-07. Review status: criteria provided, single submitter. Criteria: EGL Classification Definitions 2015. Collection method: clinical testing. Allele origin: germline. Observed: 1 variant allele, 1 heterozygote.

Laboratory for Molecular Medicine, Mass General Brigham Personalized Medicine
Classification: Likely benign. Last evaluated: 2015-09-08. Review status: criteria provided, single submitter. Criteria: LMM Criteria. Collection method: clinical testing. Allele origin: germline. Observed: 1 variant allele.
Comment: p.Pro352Pro in Exon 7 of GPR98: This variant is not expected to have clinical si gnificance because it does not alter an amino acid residue, is not located withi n the splice consensus sequence, and has been identified in 17/66708 European ch romosomes and 5/11576 Latino chromosomes by the Exome Aggregation Consortium (Ex AC; dbSNP rs115239207).

Clinical Genetics DNA and cytogenetics Diagnostics Lab, Erasmus MC, Erasmus Medical Center
Classification: Likely benign. Review status: no assertion criteria provided. Collection method: clinical testing. Allele origin: germline. Affected: yes. Study: VKGL Data-share Consensus. Not counted in ClinVar's aggregate classification.

Clinical Genetics, Academic Medical Center
Classification: Likely benign. Review status: no assertion criteria provided. Collection method: clinical testing. Allele origin: germline. Affected: yes. Study: VKGL Data-share Consensus. Not counted in ClinVar's aggregate classification.

NM_032119.4(ADGRV1):c.1056G>A (p.Pro352=)

Gene: ADGRV1 (adhesion G protein-coupled receptor V1; plus strand). Cytogenetic location: 5q14.3.
Variant type: single nucleotide variant.
Coding change: c.1056G>A on transcript NM_032119.4 (MANE Select); coding-DNA position 1056, G replaced by A.
Protein change: p.Pro352=; no amino-acid change (proline 352 retained).
Molecular consequence: synonymous variant. On other transcripts: non-coding transcript variant (1).
Genome position (GRCh38, 1-based): chr5:90,627,594, G>A. VCF-style: chr5-90627594-G-A. GRCh37 (hg19) VCF-style: chr5-89923411-G-A.
Identifiers: ClinVar variation 227389 (VCV000227389.24), dbSNP rs115239207, ClinGen allele CA3338604.